The following is an entry in ClinVar:

NM_001378454.1(ALMS1):c.7277G>T (p.Cys2426Phe)

Gene: ALMS1 (ALMS1 centrosome and basal body associated protein; plus strand). Cytogenetic location: 2p13.1.
Variant type: single nucleotide variant.
Coding change: c.7277G>T on transcript NM_001378454.1 (MANE Select); coding-DNA position 7277, G replaced by T.
Protein change: p.Cys2426Phe; replaces cysteine 2426 with phenylalanine.
Molecular consequence: missense variant.
Genome position (GRCh38, 1-based): chr2:73,453,804, G>T. VCF-style: chr2-73453804-G-T. GRCh37 (hg19) VCF-style: chr2-73680931-G-T.
Other names: c.7280G>T, p.Cys2427Phe (NM_015120.4); short protein forms C2427F, C2426F.
Identifiers: ClinVar variation 569789 (VCV000569789.6), dbSNP rs35649068, ClinGen allele CA1714206.

ClinVar aggregate classification (germline): Uncertain significance. Review status: criteria provided, multiple submitters, no conflicts (2 of 4 stars). 4 submissions from 4 submitters: Uncertain significance (3). 1 of the submissions does not count toward it. Last evaluated 2024-02-05.

Conditions:
Alstrom syndrome (ALMS). Identifiers: Orphanet 64, MedGen C0268425, MONDO:0008763, OMIM 203800.

Allele frequency attached by ClinVar (database versions not stated): TOPMed 0.00001; 1000 Genomes Project 30x 0.00047; 1000 Genomes Project 0.00060.
gnomAD v4.1: 69 of 1,614,148 alleles (0.0043%); highest among the groups gnomAD compares: South Asian, 0.074%; no homozygotes.

Submissions (4):

Blueprint Genetics
Classification: Uncertain significance. Last evaluated: 2024-02-05. Review status: criteria provided, single submitter. Criteria: ACMG Guidelines, 2015. Collection method: clinical testing. Allele origin: germline.

Labcorp Genetics (formerly Invitae), Labcorp
Classification: Uncertain significance for Alstrom syndrome. Last evaluated: 2022-03-18. Review status: criteria provided, single submitter. Criteria: Invitae Variant Classification Sherloc (09022015). Collection method: clinical testing. Allele origin: germline.
Comment: This sequence change replaces cysteine, which is neutral and slightly polar, with phenylalanine, which is neutral and non-polar, at codon 2427 of the ALMS1 protein (p.Cys2427Phe). This variant is present in population databases (rs35649068, gnomAD 0.1%). This variant has not been reported in the literature in individuals affected with ALMS1-related conditions. ClinVar contains an entry for this variant (Variation ID: 569789). In summary, the available evidence is currently insufficient to determine the role of this variant in disease. Therefore, it has been classified as a Variant of Uncertain Significance.

Fulgent Genetics
Classification: Uncertain significance for Alstrom syndrome. Last evaluated: 2021-12-08. Review status: criteria provided, single submitter. Criteria: ACMG Guidelines, 2015. Collection method: clinical testing. Allele origin: unknown.

Natera, Inc.
Classification: Uncertain significance for Alstrom syndrome. Last evaluated: 2019-10-28. Review status: no assertion criteria provided. Collection method: clinical testing. Allele origin: germline. Not counted in ClinVar's aggregate classification.